The following is an entry in ClinVar:

NM_174934.4(SCN4B):c.264G>T (p.Lys88Asn)

Genes: SCN4B (sodium voltage-gated channel beta subunit 4; minus strand), LOC126861356 (BRD4-independent group 4 enhancer GRCh37_chr11:118014519-118015718; plus strand). Cytogenetic location: 11q23.3.
Variant type: single nucleotide variant.
Coding change: c.264G>T on transcript NM_174934.4 (MANE Select); coding-DNA position 264, G replaced by T.
Protein change: p.Lys88Asn; replaces lysine 88 with asparagine.
Molecular consequence: missense variant. On other transcripts: 5 prime UTR variant (1), non-coding transcript variant (1), intron variant (1).
Genome position (GRCh38, 1-based): chr11:118,144,032, C>A on the plus strand (G>T on the coding strand, the complement: SCN4B is on the minus strand). VCF-style: chr11-118144032-C-A. GRCh37 (hg19) VCF-style: chr11-118014747-C-A.
Other names: c.-67G>T (NM_001142349.2); c.62-2696G>T (NM_001142348.2); short protein forms K88N.
Identifiers: ClinVar variation 2085251 (VCV002085251.5), dbSNP rs1255734652, ClinGen allele CA382778403.

ClinVar aggregate classification (germline): Uncertain significance. Review status: criteria provided, multiple submitters, no conflicts (2 of 4 stars). 2 submissions from 2 submitters: Uncertain significance (2). Last evaluated 2025-01-16.

Conditions:
Long QT syndrome 10 (LQT10). Identifiers: Orphanet 101016, Orphanet 768, MedGen C2678484, MONDO:0012737, OMIM 611819.
Cardiovascular phenotype. Identifiers: MedGen CN230736.

Allele frequency attached by ClinVar (database versions not stated): gnomAD exomes below 0.00001.
gnomAD v4.1: 7 of 1,613,736 alleles (0.00043%); highest among the groups gnomAD compares: Admixed American, 0.0067%; no homozygotes.

Submissions (2):

Ambry Genetics
Classification: Uncertain significance for Cardiovascular phenotype. Last evaluated: 2025-01-16. Review status: criteria provided, single submitter. Criteria: Ambry Variant Classification Scheme 2023. Collection method: clinical testing. Allele origin: germline.
Comment: The p.K88N variant (also known as c.264G>T), located in coding exon 3 of the SCN4B gene, results from a G to T substitution at nucleotide position 264. The lysine at codon 88 is replaced by asparagine, an amino acid with similar properties. This amino acid position is conserved. In addition, this alteration is predicted to be tolerated by in silico analysis. Based on the available evidence, the clinical significance of this variant remains unclear.

Labcorp Genetics (formerly Invitae), Labcorp
Classification: Uncertain significance for Long QT syndrome 10. Last evaluated: 2022-10-01. Review status: criteria provided, single submitter. Criteria: Invitae Variant Classification Sherloc (09022015). Collection method: clinical testing. Allele origin: germline.
Comment: This sequence change replaces lysine, which is basic and polar, with asparagine, which is neutral and polar, at codon 88 of the SCN4B protein (p.Lys88Asn). This variant is present in population databases (no rsID available, gnomAD 0.009%). This variant has not been reported in the literature in individuals affected with SCN4B-related conditions. Algorithms developed to predict the effect of missense changes on protein structure and function are either unavailable or do not agree on the potential impact of this missense change (SIFT: "Tolerated"; PolyPhen-2: "Probably Damaging"; Align-GVGD: "Class C0"). In summary, the available evidence is currently insufficient to determine the role of this variant in disease. Therefore, it has been classified as a Variant of Uncertain Significance.